The following is an entry in ClinVar:

NM_001243133.2(NLRP3):c.1629C>T (p.Asn543=)

Gene: NLRP3 (NLR family pyrin domain containing 3; plus strand). Cytogenetic location: 1q44.
Variant type: single nucleotide variant.
Coding change: c.1629C>T on transcript NM_001243133.2 (MANE Select); coding-DNA position 1629, C replaced by T.
Protein change: p.Asn543=; no amino-acid change (asparagine 543 retained).
Molecular consequence: synonymous variant.
Genome position (GRCh38, 1-based): chr1:247,425,078, C>T. VCF-style: chr1-247425078-C-T. GRCh37 (hg19) VCF-style: chr1-247588380-C-T.
Other names: c.1629C>T, p.Asn543= (NM_001079821.3, NM_001127461.3, NM_001127462.3 and 1 more transcripts); c.1635C>T, p.Asn545= (NM_004895.5).
Identifiers: ClinVar variation 2180013 (VCV002180013.6), dbSNP rs376057645, ClinGen allele CA1495045.

ClinVar aggregate classification (germline): Likely benign. Review status: criteria provided, single submitter (1 of 4 stars). 2 submissions from 2 submitters: Likely benign (1). 1 of the submissions does not count toward it. Last evaluated 2026-01-18.

Conditions:
NLRP3-related disorder. Also called: NLRP3-related condition; NLRP3-Related Disorders.
Cryopyrin associated periodic syndrome (CAPS). Identifiers: Orphanet 208650, MedGen C2316212, MONDO:0016168.

Allele frequency attached by ClinVar (database versions not stated): ESP Exome Variant Server 0.00008; gnomAD 0.00008; TOPMed 0.00006.
gnomAD v4.1: 31 of 1,614,132 alleles (0.0019%); highest among the groups gnomAD compares: Middle Eastern, 0.016%; no homozygotes.

Submissions (2):

Labcorp Genetics (formerly Invitae), Labcorp
Classification: Likely benign for Cryopyrin associated periodic syndrome. Last evaluated: 2026-01-18. Review status: criteria provided, single submitter. Criteria: Invitae Variant Classification Sherloc (09022015). Collection method: clinical testing. Allele origin: germline.

PreventionGenetics, part of Exact Sciences
Classification: Likely benign for NLRP3-related condition. Last evaluated: 2019-07-26. Review status: no assertion criteria provided. Collection method: clinical testing. Allele origin: germline. Not counted in ClinVar's aggregate classification.
Comment: This variant is classified as likely benign based on ACMG/AMP sequence variant interpretation guidelines (Richards et al. 2015 PMID: 25741868, with internal and published modifications).